The following is an entry in ClinVar:

NM_001205293.3(CACNA1E):c.2369A>G (p.Gln790Arg)

Gene: CACNA1E (calcium voltage-gated channel subunit alpha1 E; plus strand). Cytogenetic location: 1q25.3.
Variant type: single nucleotide variant.
Coding change: c.2369A>G on transcript NM_001205293.3 (MANE Select); coding-DNA position 2369, A replaced by G.
Protein change: p.Gln790Arg; replaces glutamine 790 with arginine.
Molecular consequence: missense variant.
Genome position (GRCh38, 1-based): chr1:181,732,455, A>G. VCF-style: chr1-181732455-A-G. GRCh37 (hg19) VCF-style: chr1-181701591-A-G.
Other names: c.2369A>G, p.Gln790Arg (NM_000721.4); c.2312A>G, p.Gln771Arg (NM_001205294.2); short protein forms Q790R, Q771R.
Identifiers: ClinVar variation 2253830 (VCV002253830.4), dbSNP rs1347482481, ClinGen allele CA343617163.
Genomic context (GRCh38, chr1:181,732,455, plus strand): 5'-GGCGCCGGCACCACATGTCCGTGTGGGAGCAGCGTACCAGCCAGCTGAGGAAGCACATGC[A>G]GATGTCCAGCCAGGAGGCCCTCAACAGAGAGGAGGCGCCGACCATGAACCCGCTCAACCC-3'
Protein context (NP_001192222.1, residues 780-800): QRTSQLRKHM[Gln790Arg]MSSQEALNRE

ClinVar aggregate classification (germline): Uncertain significance. Review status: criteria provided, multiple submitters, no conflicts (2 of 4 stars). 2 submissions from 2 submitters: Uncertain significance (2). Last evaluated 2025-07-30.

Conditions:
Inborn genetic diseases. Identifiers: MedGen C0950123, MeSH D030342.

Allele frequency attached by ClinVar (database versions not stated): gnomAD exomes 0.00001.
gnomAD v4.1: 7 of 1,550,846 alleles (0.00045%); highest among the groups gnomAD compares: African/African-American, 0.0014%; no homozygotes.

Submissions (2):

Labcorp Genetics (formerly Invitae), Labcorp
Classification: Uncertain significance. Last evaluated: 2025-07-30. Review status: criteria provided, single submitter. Criteria: Invitae Variant Classification Sherloc (09022015). Collection method: clinical testing. Allele origin: germline.
Comment: This sequence change replaces glutamine, which is neutral and polar, with arginine, which is basic and polar, at codon 790 of the CACNA1E protein (p.Gln790Arg). This variant is not present in population databases (gnomAD no frequency). This variant has not been reported in the literature in individuals affected with CACNA1E-related conditions. ClinVar contains an entry for this variant (Variation ID: 2253830). Invitae Evidence Modeling of protein sequence and biophysical properties (such as structural, functional, and spatial information, amino acid conservation, physicochemical variation, residue mobility, and thermodynamic stability) has been performed for this missense variant. However, the output from this modeling did not meet the statistical confidence thresholds required to predict the impact of this variant on CACNA1E protein function. In summary, the available evidence is currently insufficient to determine the role of this variant in disease. Therefore, it has been classified as a Variant of Uncertain Significance.

Ambry Genetics
Classification: Uncertain significance for Inborn genetic diseases. Last evaluated: 2021-10-06. Review status: criteria provided, single submitter. Criteria: Ambry Variant Classification Scheme 2023. Collection method: clinical testing. Allele origin: germline.